The following is an entry in ClinVar:

NM_000426.4(LAMA2):c.9351A>T (p.Val3117=)

Gene: LAMA2 (laminin subunit alpha 2; plus strand). Cytogenetic location: 6q22.33.
Variant type: single nucleotide variant.
Coding change: c.9351A>T on transcript NM_000426.4 (MANE Select); coding-DNA position 9351, A replaced by T.
Protein change: p.Val3117=; no amino-acid change (valine 3117 retained).
Molecular consequence: synonymous variant.
Genome position (GRCh38, 1-based): chr6:129,516,329, A>T. VCF-style: chr6-129516329-A-T. GRCh37 (hg19) VCF-style: chr6-129837474-A-T.
Other names: c.9339A>T, p.Val3113= (NM_001079823.2).
Identifiers: ClinVar variation 4803308 (VCV004803308.2).

ClinVar aggregate classification (germline): Likely benign. Review status: criteria provided, multiple submitters, no conflicts (2 of 4 stars). 2 submissions from 2 submitters: Likely benign (2). Last evaluated 2025-09-17.

Conditions:
LAMA2-related disorder. Also called: LAMA2-related condition; LAMA2-related disorders.
LAMA2-related muscular dystrophy (LAMA2-RD). Also called: Laminin alpha 2-related dystrophy. Identifiers: MedGen C5679788, MONDO:0100228.

Submissions (2):

Labcorp Genetics (formerly Invitae), Labcorp
Classification: Likely benign for LAMA2-related muscular dystrophy. Last evaluated: 2025-09-17. Review status: criteria provided, single submitter. Criteria: Invitae Variant Classification Sherloc (09022015). Collection method: clinical testing. Allele origin: germline.

PreventionGenetics, part of Exact Sciences
Classification: Likely benign for LAMA2-related condition. Last evaluated: 2025-06-04. Review status: criteria provided, single submitter. Criteria: ACMG Guidelines, 2015. Collection method: clinical testing. Allele origin: germline.
Comment: This variant is classified as likely benign based on ACMG/AMP sequence variant interpretation guidelines (Richards et al. 2015 PMID: 25741868, with internal and published modifications).